The following is an entry in ClinVar:

ClinVar aggregate classification (germline): Uncertain significance. Review status: criteria provided, multiple submitters, no conflicts (2 of 4 stars). 2 submissions from 2 submitters: Uncertain significance (2). Last evaluated 2022-09-12.

Conditions:
Kabuki syndrome 2 (KABUK2). Also called: KDM6A-Related Kabuki Syndrome. Identifiers: Orphanet 2322, MedGen C3275495, MONDO:0010465, OMIM 300867.

gnomAD v4.1: 3 of 1,208,037 alleles (0.00025%); highest among the groups gnomAD compares: Non-Finnish European, 0.00034%; no homozygotes.

Submissions (2):

Labcorp Genetics (formerly Invitae), Labcorp
Classification: Uncertain significance for Kabuki syndrome 2. Last evaluated: 2022-09-12. Review status: criteria provided, single submitter. Criteria: Invitae Variant Classification Sherloc (09022015). Collection method: clinical testing. Allele origin: germline.
Comment: In summary, the available evidence is currently insufficient to determine the role of this variant in disease. Therefore, it has been classified as a Variant of Uncertain Significance. Advanced modeling of protein sequence and biophysical properties (such as structural, functional, and spatial information, amino acid conservation, physicochemical variation, residue mobility, and thermodynamic stability) performed at Invitae indicates that this missense variant is expected to disrupt KDM6A protein function. This variant has not been reported in the literature in individuals affected with KDM6A-related conditions. This variant is not present in population databases (gnomAD no frequency). This sequence change replaces arginine, which is basic and polar, with histidine, which is basic and polar, at codon 1111 of the KDM6A protein (p.Arg1111His).

Center for Genomics, Ann and Robert H. Lurie Children's Hospital of Chicago
Classification: Uncertain significance for Kabuki syndrome 2. Last evaluated: 2022-07-12. Review status: criteria provided, single submitter. Criteria: ACMG Guidelines, 2015. Collection method: clinical testing. Allele origin: germline.
Comment: This variant has not been reported in the literature and is not present in large control databases. Evolutionary conservation and computational predictive tools suggest that this variant may impact the protein. In summary, data on this variant is insufficient for disease classification. Therefore, the clinical significance of this variant is uncertain.

NM_001291415.2(KDM6A):c.3488G>A (p.Arg1163His)

Gene: KDM6A (lysine demethylase 6A; plus strand). Cytogenetic location: Xp11.3.
Variant type: single nucleotide variant.
Coding change: c.3488G>A on transcript NM_001291415.2 (MANE Select); coding-DNA position 3488, G replaced by A.
Protein change: p.Arg1163His; replaces arginine 1163 with histidine.
Molecular consequence: missense variant. On other transcripts: non-coding transcript variant (1).
Genome position (GRCh38, 1-based): chrX:45,083,507, G>A. VCF-style: chrX-45083507-G-A. GRCh37 (hg19) VCF-style: chrX-44942752-G-A.
Other names: c.3353G>A, p.Arg1118His (NM_001291416.2); c.3197G>A, p.Arg1066His (NM_001291417.2); c.3095G>A, p.Arg1032His (NM_001291418.2); c.2444G>A, p.Arg815His (NM_001291421.2); c.3230G>A, p.Arg1077His (NM_001410742.1); c.3332G>A, p.Arg1111His (NM_021140.4); short protein forms R1077H, R1163H, R1032H, R1118H, R1111H, R1066H, R815H.
Identifiers: ClinVar variation 1941604 (VCV001941604.6), dbSNP rs1457797612, ClinGen allele CA412804447.
Genomic context (GRCh38, chrX:45,083,507, plus strand): 5'-TATTTTATTGCAGGTGGAAGTTGCAGCTACATGAGCTGACTAAACTTCCTGCTTTTGTGC[G>A]TGTCGTATCAGCAGGAAATCTTCTAAGCCATGTTGGTCATACCATATTGGGCATGAACAC-3'
Protein context (NP_001278344.1, residues 1153-1173): HELTKLPAFV[Arg1163His]VVSAGNLLSH